The following is an entry in ClinVar:

ClinVar aggregate classification (germline): Uncertain significance (1 of 4 stars; one submission).

gnomAD v4.1: 43 of 1,613,190 alleles (0.0027%); highest among the groups gnomAD compares: Admixed American, 0.022%; no homozygotes.

Submission:

Labcorp Genetics (formerly Invitae), Labcorp
Classification: Uncertain significance. Last evaluated: 2025-06-13. Review status: criteria provided, single submitter. Criteria: Invitae Variant Classification Sherloc (09022015). Collection method: clinical testing. Allele origin: germline.
Comment: This sequence change replaces arginine, which is basic and polar, with tryptophan, which is neutral and slightly polar, at codon 1501 of the SORL1 protein (p.Arg1501Trp). This variant is present in population databases (no rsID available, gnomAD 0.01%). This variant has not been reported in the literature in individuals affected with SORL1-related conditions. An algorithm developed to predict the effect of missense changes on protein structure and function (PolyPhen-2) suggests that this variant is likely to be disruptive. In summary, the available evidence is currently insufficient to determine the role of this variant in disease. Therefore, it has been classified as a Variant of Uncertain Significance.

NM_003105.6(SORL1):c.4501C>T (p.Arg1501Trp)

Genes: SORL1 (sortilin related receptor 1; plus strand), LOC126861368 (P300/CBP strongly-dependent group 1 enhancer GRCh37_chr11:121465964-121467163; plus strand). Cytogenetic location: 11q24.1.
Variant type: single nucleotide variant.
Coding change: c.4501C>T on transcript NM_003105.6 (MANE Select); coding-DNA position 4501, C replaced by T.
Protein change: p.Arg1501Trp; replaces arginine 1501 with tryptophan.
Molecular consequence: missense variant.
Genome position (GRCh38, 1-based): chr11:121,595,754, C>T. VCF-style: chr11-121595754-C-T. GRCh37 (hg19) VCF-style: chr11-121466463-C-T.
Other names: short protein forms R1501W.
Identifiers: ClinVar variation 4709906 (VCV004709906.1).